The following is an entry in ClinVar:

NM_000214.3(JAG1):c.1755C>T (p.Asn585=)

Gene: JAG1 (jagged canonical Notch ligand 1; minus strand). Cytogenetic location: 20p12.2.
Variant type: single nucleotide variant.
Coding change: c.1755C>T on transcript NM_000214.3 (MANE Select); coding-DNA position 1755, C replaced by T.
Protein change: p.Asn585=; no amino-acid change (asparagine 585 retained).
Molecular consequence: synonymous variant.
Genome position (GRCh38, 1-based): chr20:10,647,069, G>A on the plus strand (C>T on the coding strand, the complement: JAG1 is on the minus strand). VCF-style: chr20-10647069-G-A. GRCh37 (hg19) VCF-style: chr20-10627717-G-A.
Other names: c.1755C>T, p.Asn585= (LRG_1191t1).
Identifiers: ClinVar variation 501843 (VCV000501843.34), dbSNP rs142808131, ClinGen allele CA9764756.

ClinVar aggregate classification (germline): Conflicting classifications of pathogenicity. Review status: criteria provided, conflicting classifications (1 of 4 stars). 9 submissions from 9 submitters: Uncertain significance (1); Benign (2); Likely benign (4). 2 of the submissions do not count toward it. Last evaluated 2025-12-08.

Conditions:
Isolated Nonsyndromic Congenital Heart Disease.
Alagille syndrome due to a JAG1 point mutation. Also called: HEPATIC DUCTULAR HYPOPLASIA, SYNDROMATIC; Alagille Syndrome 1; JAG1-Related Alagille Syndrome. Identifiers: Orphanet 261619, Orphanet 52, MedGen C1956125, MONDO:0016862, OMIM 118450.
Cardiovascular phenotype. Identifiers: MedGen CN230736.

Allele frequency attached by ClinVar (database versions not stated): 1000 Genomes Project 30x 0.00031; ExAC 0.00037; gnomAD exomes 0.00037 and 0.00047; 1000 Genomes Project 0.00020; gnomAD 0.00044 and 0.00045; ESP Exome Variant Server 0.00046; TOPMed 0.00053.
gnomAD v4.1: 758 of 1,614,206 alleles (0.047%); highest among the groups gnomAD compares: African/African-American, 0.075%; no homozygotes.

Submissions (9):

Labcorp Genetics (formerly Invitae), Labcorp
Classification: Likely benign for Alagille syndrome due to a JAG1 point mutation. Last evaluated: 2025-12-08. Review status: criteria provided, single submitter. Criteria: Invitae Variant Classification Sherloc (09022015). Collection method: clinical testing. Allele origin: germline.

CeGaT Center for Human Genetics Tuebingen
Classification: Likely benign. Last evaluated: 2025-09-01. Review status: criteria provided, single submitter. Criteria: CeGaT Center For Human Genetics Tuebingen Variant Classification Criteria Version 2. Collection method: clinical testing. Allele origin: germline. Affected: yes. Observed: 1 variant allele.
Comment: JAG1: BP4, BP7

Blueprint Genetics
Classification: Likely benign. Last evaluated: 2024-09-23. Review status: criteria provided, single submitter. Criteria: ACMG Guidelines, 2015. Collection method: clinical testing. Allele origin: germline.

Ambry Genetics
Classification: Likely benign for Cardiovascular phenotype. Last evaluated: 2022-02-11. Review status: criteria provided, single submitter. Criteria: Ambry Variant Classification Scheme 2023. Collection method: clinical testing. Allele origin: germline.

Eurofins Ntd Llc (ga)
Classification: Uncertain significance. Last evaluated: 2018-07-25. Review status: criteria provided, single submitter. Criteria: EGL ClinVar v180209 classification definitions. Collection method: clinical testing. Allele origin: germline. Observed: 2 variant alleles, 2 heterozygotes.

Illumina Laboratory Services, Illumina
Classification: Benign for Isolated Nonsyndromic Congenital Heart Disease. Last evaluated: 2018-01-12. Review status: criteria provided, single submitter. Criteria: ICSL Variant Classification Criteria 13 December 2019. Collection method: clinical testing. Allele origin: germline.
Comment: This variant was observed in the ICSL laboratory as part of a predisposition screen in an ostensibly healthy population. It had not been previously curated by ICSL or reported in the Human Gene Mutation Database (HGMD: prior to June 1st, 2018), and was therefore a candidate for classification through an automated scoring system. Utilizing variant allele frequency, disease prevalence and penetrance estimates, and inheritance mode, an automated score was calculated to assess if this variant is too frequent to cause the disease. Based on the score and internal cut-off values, a variant classified as benign is not then subjected to further curation. The score for this variant resulted in a classification of benign for this disease.

GeneDx
Classification: Benign. Last evaluated: 2015-03-03. Review status: criteria provided, single submitter. Criteria: GeneDx Variant Classification Process June 2021. Collection method: clinical testing. Allele origin: germline. Affected: yes.

Clinical Genetics DNA and cytogenetics Diagnostics Lab, Erasmus MC, Erasmus Medical Center
Classification: Likely benign. Review status: no assertion criteria provided. Collection method: clinical testing. Allele origin: germline. Affected: yes. Study: VKGL Data-share Consensus. Not counted in ClinVar's aggregate classification.

Clinical Genetics, Academic Medical Center
Classification: Likely benign. Review status: no assertion criteria provided. Collection method: clinical testing. Allele origin: germline. Affected: yes. Study: VKGL Data-share Consensus. Not counted in ClinVar's aggregate classification.